The following is an entry in ClinVar:

ClinVar aggregate classification (germline): Uncertain significance (1 of 4 stars; one submission).

Allele frequency attached by ClinVar (database versions not stated): ExAC 0.00001; gnomAD 0.00001; gnomAD exomes 0.00001; TOPMed 0.00001.
gnomAD v4.1: 18 of 1,610,110 alleles (0.0011%); highest among the groups gnomAD compares: Non-Finnish European, 0.0014%; no homozygotes.

Submission:

Labcorp Genetics (formerly Invitae), Labcorp
Classification: Uncertain significance. Last evaluated: 2024-12-25. Review status: criteria provided, single submitter. Criteria: Invitae Variant Classification Sherloc (09022015). Collection method: clinical testing. Allele origin: germline.
Comment: This sequence change replaces serine, which is neutral and polar, with asparagine, which is neutral and polar, at codon 9 of the KLHL7 protein (p.Ser9Asn). This variant is present in population databases (rs758108456, gnomAD 0.002%). This variant has not been reported in the literature in individuals affected with KLHL7-related conditions. ClinVar contains an entry for this variant (Variation ID: 2998818). An algorithm developed to predict the effect of missense changes on protein structure and function outputs the following: PolyPhen-2: "Benign". The asparagine amino acid residue is found in multiple mammalian species, which suggests that this missense change does not adversely affect protein function. In summary, the available evidence is currently insufficient to determine the role of this variant in disease. Therefore, it has been classified as a Variant of Uncertain Significance.

NM_001031710.3(KLHL7):c.26G>A (p.Ser9Asn)

Gene: KLHL7 (kelch like family member 7; plus strand). Cytogenetic location: 7p15.3.
Variant type: single nucleotide variant.
Coding change: c.26G>A on transcript NM_001031710.3 (MANE Select); coding-DNA position 26, G replaced by A.
Protein change: p.Ser9Asn; replaces serine 9 with asparagine.
Molecular consequence: missense variant. On other transcripts: non-coding transcript variant (2).
Genome position (GRCh38, 1-based): chr7:23,106,052, G>A. VCF-style: chr7-23106052-G-A. GRCh37 (hg19) VCF-style: chr7-23145671-G-A.
Other names: c.26G>A, p.Ser9Asn (NM_001172428.2); short protein forms S9N.
Identifiers: ClinVar variation 2998818 (VCV002998818.3), dbSNP rs758108456, ClinGen allele CA4186217.
Genomic context (GRCh38, chr7:23,106,052, plus strand): 5'-CGGCGAGCCCCGGGCGTGAACCGAGCTGAGGGAGGATGGCAGCCTCTGGGGTGGAGAAGA[G>A]CAGCAAGAAGAAGACCGAGAAGAAACTTGCTGCTCGGGAAGAAGCTAAATTGTTGGCGGG-3'
Protein context (NP_001026880.2, residues 1-19): MAASGVEK[Ser9Asn]SKKKTEKKLA